The following is an entry in ClinVar:

ClinVar aggregate classification (germline): Benign. Review status: criteria provided, multiple submitters, no conflicts (2 of 4 stars). 2 submissions from 2 submitters: Benign (2). Last evaluated 2016-03-29.

Allele frequency attached by ClinVar (database versions not stated): ESP Exome Variant Server 0.00624; TOPMed 0.00936; gnomAD exomes 0.01129 and 0.01991; gnomAD 0.01152 and 0.01279; ExAC 0.01828; 1000 Genomes Project 30x 0.03061; 1000 Genomes Project 0.03355.

Submissions (2):

Laboratory for Molecular Medicine, Mass General Brigham Personalized Medicine
Classification: Benign. Last evaluated: 2016-03-29. Review status: criteria provided, single submitter. Criteria: LMM Criteria. Collection method: clinical testing. Allele origin: germline.
Comment: Variant identified in a genome or exome case(s) and assessed due to predicted null impact of the variant or pathogenic assertions in the literature or databases. Disclaimer: This variant has not undergone full assessment. The following are preliminary notes: Frequency

Breakthrough Genomics
Classification: Benign. Review status: criteria provided, single submitter. Criteria: ACMG Guidelines, 2015. Collection method: not provided. Allele origin: germline. Inheritance: Unknown mechanism. Affected: yes.

NM_001378213.1(BCL9L):c.2705T>C (p.Val902Ala)

Gene: BCL9L (BCL9 like; minus strand). Cytogenetic location: 11q23.3.
Variant type: single nucleotide variant.
Coding change: c.2705T>C on transcript NM_001378213.1 (MANE Select); coding-DNA position 2705, T replaced by C.
Protein change: p.Val902Ala; replaces valine 902 with alanine.
Molecular consequence: missense variant.
Genome position (GRCh38, 1-based): chr11:118,901,038, A>G on the plus strand (T>C on the coding strand, the complement: BCL9L is on the minus strand). VCF-style: chr11-118901038-A-G. GRCh37 (hg19) VCF-style: chr11-118771747-A-G.
Other names: c.2594T>C, p.Val865Ala (NM_001378214.1); c.2705T>C, p.Val902Ala (NM_182557.4); short protein forms V902A, V865A.
Identifiers: ClinVar variation 402414 (VCV000402414.5), dbSNP rs34123504, ClinGen allele CA6309392.